The following is an entry in ClinVar:

ClinVar aggregate classification (germline): Uncertain significance. Review status: criteria provided, multiple submitters, no conflicts (2 of 4 stars). 2 submissions from 2 submitters: Uncertain significance (2). Last evaluated 2026-01-26.

Allele frequency attached by ClinVar (database versions not stated): gnomAD 0.00001 and 0.00002; gnomAD exomes 0.00002; TOPMed 0.00003; ExAC 0.00004; 1000 Genomes Project 30x 0.00016; 1000 Genomes Project 0.00020.
gnomAD v4.1: 26 of 1,614,090 alleles (0.0016%); highest among the groups gnomAD compares: East Asian, 0.022%; no homozygotes.

Submissions (2):

Labcorp Genetics (formerly Invitae), Labcorp
Classification: Uncertain significance. Last evaluated: 2026-01-26. Review status: criteria provided, single submitter. Criteria: Invitae Variant Classification Sherloc (09022015). Collection method: clinical testing. Allele origin: germline.
Comment: This sequence change replaces proline, which is neutral and non-polar, with alanine, which is neutral and non-polar, at codon 4651 of the USH2A protein (p.Pro4651Ala). This variant is present in population databases (rs548761125, gnomAD 0.01%). This variant has not been reported in the literature in individuals affected with USH2A-related conditions. ClinVar contains an entry for this variant (Variation ID: 1399405). Invitae Evidence Modeling of protein sequence and biophysical properties (such as structural, functional, and spatial information, amino acid conservation, physicochemical variation, residue mobility, and thermodynamic stability) indicates that this missense variant is not expected to disrupt USH2A protein function with a negative predictive value of 95%. In summary, the available evidence is currently insufficient to determine the role of this variant in disease. Therefore, it has been classified as a Variant of Uncertain Significance.

Blueprint Genetics
Classification: Uncertain significance. Last evaluated: 2022-09-30. Review status: criteria provided, single submitter. Criteria: ACMG Guidelines, 2015. Collection method: clinical testing. Allele origin: germline.

NM_206933.4(USH2A):c.13951C>G (p.Pro4651Ala)

Gene: USH2A (usherin; minus strand). Cytogenetic location: 1q41.
Variant type: single nucleotide variant.
Coding change: c.13951C>G on transcript NM_206933.4 (MANE Select); coding-DNA position 13951, C replaced by G.
Protein change: p.Pro4651Ala; replaces proline 4651 with alanine.
Molecular consequence: missense variant.
Genome position (GRCh38, 1-based): chr1:215,671,154, G>C on the plus strand (C>G on the coding strand, the complement: USH2A is on the minus strand). VCF-style: chr1-215671154-G-C. GRCh37 (hg19) VCF-style: chr1-215844496-G-C.
Other names: short protein forms P4651A.
Identifiers: ClinVar variation 1399405 (VCV001399405.6), dbSNP rs548761125, ClinGen allele CA1393174.
Genomic context (GRCh38, chr1:215,671,154, plus strand): 5'-CGTAATACAAAACTTTTCCATTTGGCTGCAGCGGTCCTGTCCACAAAAGAGAAACAGTTG[G>C]CTGGAATCCTCCTGGAGCCATTTGTACCTCCAGATGTGGAGGGGGTTGCATCAAAGGTGC-3'
Protein context (NP_996816.3, residues 4641-4661): EVQMAPGGFQ[Pro4651Ala]TVSLLWTGPL